The following is an entry in ClinVar:

NM_020066.5(FMN2):c.1220_1222dup (p.Cys407_Phe408insCys)

Gene: FMN2 (formin 2; plus strand). Cytogenetic location: 1q43.
Variant type: Duplication.
Coding change: c.1220_1222dup on transcript NM_020066.5 (MANE Select); coding-DNA positions 1220 to 1222, 3 bases duplicated (GTT; older notation c.1220_1222dupGTT).
Protein change: p.Cys407_Phe408insCys.
Molecular consequence: inframe insertion.
Genome position (GRCh38, 1-based): chr1:240,093,329-240,093,331, GTT duplicated; duplicating any 3 consecutive bases within chr1:240,093,328-240,093,331 gives the same sequence; the c. name uses the placement nearest the transcript's 3' end. VCF-style (leftmost placement, unchanged base first): chr1-240093327-C-CTGT. GRCh37 (hg19) VCF-style: chr1-240256627-C-CTGT.
Other names: c.1220_1222dup, p.Cys407_Phe408insCys (NM_001305424.2, NM_001348094.2).
Identifiers: ClinVar variation 3095809 (VCV003095809.1), dbSNP rs2528660992, ClinGen allele CA2651234546.

ClinVar aggregate classification (germline): Uncertain significance (1 of 4 stars; one submission).

Conditions:
Inborn genetic diseases. Identifiers: MedGen C0950123, MeSH D030342.

Submission:

Ambry Genetics
Classification: Uncertain significance for Inborn genetic diseases. Last evaluated: 2024-03-04. Review status: criteria provided, single submitter. Criteria: Ambry Variant Classification Scheme 2023. Collection method: clinical testing. Allele origin: germline.
Comment: The c.1220_1222dupGTT (p.C407dup) alteration is located in exon 1 (coding exon 1) of the FMN2 gene. The alteration consists of an in-frame duplication of 3 nucleotides from position 1220 to 1222, resulting in the duplication of <NA> residues. Based on insufficient or conflicting evidence, the clinical significance of this alteration remains unclear.